The following is an entry in ClinVar:

NM_032043.3(BRIP1):c.2899G>T (p.Glu967Ter)

Gene: BRIP1 (BRCA1 interacting DNA helicase 1; minus strand). Cytogenetic location: 17q23.2.
Variant type: single nucleotide variant.
Coding change: c.2899G>T on transcript NM_032043.3 (MANE Select); coding-DNA position 2899, G replaced by T.
Protein change: p.Glu967Ter; replaces glutamic acid 967 with a stop codon.
Molecular consequence: nonsense.
Genome position (GRCh38, 1-based): chr17:61,685,842, C>A on the plus strand (G>T on the coding strand, the complement: BRIP1 is on the minus strand). VCF-style: chr17-61685842-C-A. GRCh37 (hg19) VCF-style: chr17-59763203-C-A.
Other names: short protein forms E967*.
Identifiers: ClinVar variation 3148441 (VCV003148441.1), dbSNP rs1305928655, ClinGen allele CA400481122.

ClinVar aggregate classification (germline): Pathogenic (1 of 4 stars; one submission).

Conditions:
Familial cancer of breast. Also called: BREAST CANCER, FAMILIAL; Hereditary breast cancer; hereditary breast carcinoma. Identifiers: Orphanet 227535, MedGen C0346153, MONDO:0016419, OMIM 114480. Disease mechanism: loss of function.

Submission:

Myriad Genetics, Inc.
Classification: Pathogenic for Familial cancer of breast. Last evaluated: 2024-03-29. Review status: criteria provided, single submitter. Criteria: Myriad Autosomal Dominant, Autosomal Recessive and X-Linked Classification Criteria (2023). Collection method: clinical testing. Allele origin: unknown.
Comment: This variant is considered pathogenic. This variant creates a termination codon and is predicted to result in premature protein truncation.